The following is an entry in ClinVar:

NM_014159.7(SETD2):c.3509G>C (p.Ser1170Thr)

Gene: SETD2 (SET domain containing 2, histone lysine methyltransferase; minus strand). Cytogenetic location: 3p21.31.
Variant type: single nucleotide variant.
Coding change: c.3509G>C on transcript NM_014159.7 (MANE Select); coding-DNA position 3509, G replaced by C.
Protein change: p.Ser1170Thr; replaces serine 1170 with threonine.
Molecular consequence: missense variant. On other transcripts: non-coding transcript variant (1).
Genome position (GRCh38, 1-based): chr3:47,121,127, C>G on the plus strand (G>C on the coding strand, the complement: SETD2 is on the minus strand). VCF-style: chr3-47121127-C-G. GRCh37 (hg19) VCF-style: chr3-47162617-C-G.
Other names: c.3377G>C, p.Ser1126Thr (NM_001349370.3); short protein forms S1126T, S1170T.
Identifiers: ClinVar variation 3365833 (VCV003365833.1).

ClinVar aggregate classification (germline): Uncertain significance (1 of 4 stars; one submission).

Submission:

GeneDx
Classification: Uncertain significance. Last evaluated: 2023-12-15. Review status: criteria provided, single submitter. Criteria: GeneDx Variant Classification Process June 2021. Collection method: clinical testing. Allele origin: germline. Affected: yes.
Comment: Not observed at significant frequency in large population cohorts (gnomAD); In silico analysis supports that this missense variant has a deleterious effect on protein structure/function; Has not been previously published as pathogenic or benign to our knowledge